The following is an entry in ClinVar:

NM_001197104.2(KMT2A):c.10195C>T (p.Pro3399Ser)

Gene: KMT2A (lysine methyltransferase 2A; plus strand). Cytogenetic location: 11q23.3.
Variant type: single nucleotide variant.
Coding change: c.10195C>T on transcript NM_001197104.2 (MANE Select); coding-DNA position 10195, C replaced by T.
Protein change: p.Pro3399Ser; replaces proline 3399 with serine.
Molecular consequence: missense variant.
Genome position (GRCh38, 1-based): chr11:118,506,087, C>T. VCF-style: chr11-118506087-C-T. GRCh37 (hg19) VCF-style: chr11-118376802-C-T.
Other names: c.10285C>T, p.Pro3429Ser (NM_001412597.1); c.10186C>T, p.Pro3396Ser (NM_005933.4); short protein forms P3399S, P3396S, P3429S.
Identifiers: ClinVar variation 2182212 (VCV002182212.4), dbSNP rs782013311, ClinGen allele CA6304699.

ClinVar aggregate classification (germline): Uncertain significance (1 of 4 stars; one submission).

Allele frequency attached by ClinVar (database versions not stated): gnomAD exomes below 0.00001; ExAC 0.00001.
gnomAD v4.1: 1 of 1,614,136 alleles (0.000062%); highest among the groups gnomAD compares: South Asian, 0.0011%; no homozygotes.

Submission:

Labcorp Genetics (formerly Invitae), Labcorp
Classification: Uncertain significance. Last evaluated: 2022-08-20. Review status: criteria provided, single submitter. Criteria: Invitae Variant Classification Sherloc (09022015). Collection method: clinical testing. Allele origin: germline.
Comment: In summary, the available evidence is currently insufficient to determine the role of this variant in disease. Therefore, it has been classified as a Variant of Uncertain Significance. Advanced modeling of protein sequence and biophysical properties (such as structural, functional, and spatial information, amino acid conservation, physicochemical variation, residue mobility, and thermodynamic stability) performed at Invitae indicates that this missense variant is not expected to disrupt KMT2A protein function. This variant has not been reported in the literature in individuals affected with KMT2A-related conditions. This variant is present in population databases (rs782013311, gnomAD 0.003%). This sequence change replaces proline, which is neutral and non-polar, with serine, which is neutral and polar, at codon 3399 of the KMT2A protein (p.Pro3399Ser).